The following is an entry in ClinVar:

ClinVar aggregate classification (germline): Conflicting classifications of pathogenicity. Review status: criteria provided, conflicting classifications (1 of 4 stars). 3 submissions from 3 submitters: Uncertain significance (2); Likely benign (1). Last evaluated 2026-07-13.

Conditions:
Cardiovascular phenotype. Identifiers: MedGen CN230736.

Allele frequency attached by ClinVar (database versions not stated): gnomAD exomes below 0.00001; TOPMed below 0.00001; gnomAD 0.00001.
gnomAD v4.1: 5 of 1,550,256 alleles (0.00032%); highest among the groups gnomAD compares: Non-Finnish European, 0.00044%; no homozygotes.

Submissions (3):

Ambry Genetics
Classification: Likely benign for Cardiovascular phenotype. Last evaluated: 2026-07-13. Review status: criteria provided, single submitter. Criteria: Ambry Variant Classification Scheme 2023. Collection method: clinical testing. Allele origin: germline.

Mayo Clinic Laboratories, Mayo Clinic
Classification: Uncertain significance. Last evaluated: 2025-10-17. Review status: criteria provided, single submitter. Criteria: ACMG Guidelines, 2015. Collection method: clinical testing. Allele origin: germline. Observed: 1 variant allele.
Comment: BP4_moderate

Labcorp Genetics (formerly Invitae), Labcorp
Classification: Uncertain significance. Last evaluated: 2023-10-14. Review status: criteria provided, single submitter. Criteria: Invitae Variant Classification Sherloc (09022015). Collection method: clinical testing. Allele origin: germline.
Comment: This sequence change replaces proline, which is neutral and non-polar, with leucine, which is neutral and non-polar, at codon 2225 of the ZNF469 protein (p.Pro2225Leu). This variant is present in population databases (no rsID available, gnomAD 0.004%). This variant has not been reported in the literature in individuals affected with ZNF469-related conditions. Algorithms developed to predict the effect of missense changes on protein structure and function output the following: SIFT: "Not Available"; PolyPhen-2: "Benign"; Align-GVGD: "Not Available". The leucine amino acid residue is found in multiple mammalian species, which suggests that this missense change does not adversely affect protein function. In summary, the available evidence is currently insufficient to determine the role of this variant in disease. Therefore, it has been classified as a Variant of Uncertain Significance.

NM_001367624.2(ZNF469):c.6758C>T (p.Pro2253Leu)

Gene: ZNF469 (zinc finger protein 469; plus strand). Cytogenetic location: 16q24.2.
Variant type: single nucleotide variant.
Coding change: c.6758C>T on transcript NM_001367624.2 (MANE Select); coding-DNA position 6758, C replaced by T.
Protein change: p.Pro2253Leu; replaces proline 2253 with leucine.
Molecular consequence: missense variant.
Genome position (GRCh38, 1-based): chr16:88,434,228, C>T. VCF-style: chr16-88434228-C-T. GRCh37 (hg19) VCF-style: chr16-88500636-C-T.
Other names: NM_001127464.1:c.6674C>T; p.Pro2253Leu; short protein forms P2253L.
Identifiers: ClinVar variation 2901788 (VCV002901788.4), dbSNP rs1284458209, ClinGen allele CA397106807.